The following is an entry in ClinVar:

ClinVar aggregate classification (germline): Benign (1 of 4 stars; one submission).

Conditions:
Purine-nucleoside phosphorylase deficiency. Also called: Immunodeficiency due to purine nucleoside phosphorylase deficiency; NUCLEOSIDE PHOSPHORYLASE DEFICIENCY. Identifiers: Orphanet 760, MedGen C0268125, MONDO:0013171, OMIM 613179.

Allele frequency attached by ClinVar (database versions not stated): gnomAD 0.00185 and 0.00120; 1000 Genomes Project 30x 0.00906; 1000 Genomes Project 0.01018; TOPMed 0.00215.

Submission:

Illumina Laboratory Services, Illumina
Classification: Benign for Purine-nucleoside phosphorylase deficiency. Last evaluated: 2018-01-13. Review status: criteria provided, single submitter. Criteria: ICSL Variant Classification Criteria 13 December 2019. Collection method: clinical testing. Allele origin: germline.
Comment: This variant was observed in the ICSL laboratory as part of a predisposition screen in an ostensibly healthy population. It had not been previously curated by ICSL or reported in the Human Gene Mutation Database (HGMD: prior to June 1st, 2018), and was therefore a candidate for classification through an automated scoring system. Utilizing variant allele frequency, disease prevalence and penetrance estimates, and inheritance mode, an automated score was calculated to assess if this variant is too frequent to cause the disease. Based on the score and internal cut-off values, a variant classified as benign is not then subjected to further curation. The score for this variant resulted in a classification of benign for this disease.

NM_000270.3(PNP):c.*1342A>T

Gene: PNP (purine nucleoside phosphorylase; plus strand). Cytogenetic location: 14q11.2.
Variant type: single nucleotide variant.
Coding change: c.*1342A>T on transcript NM_000270.3; 1342 bases downstream of the stop codon, A replaced by T.
Genome position (GRCh38, 1-based): chr14:20,477,943, A>T. VCF-style: chr14-20477943-A-T. GRCh37 (hg19) VCF-style: chr14-20946102-A-T.
Identifiers: ClinVar variation 312756 (VCV000312756.7), dbSNP rs60605707, ClinGen allele CA10634687.
Genomic context (GRCh38, chr14:20,477,943, plus strand): 5'-AACATTTTAGTTGTTAGTGGTATAATACGGAAGAGATATTTTGCACAGGCTGCTTTGGAG[A>T]ACTTTCAAATTATCCTTTGTTTGGTAACTGACCTACTTAACTGCCCAATACAAAGAAAAA-3'